The following is an entry in ClinVar:

ClinVar aggregate classification (germline): Uncertain significance (1 of 4 stars; one submission).

Conditions:
Inborn genetic diseases. Identifiers: MedGen C0950123, MeSH D030342.

Submission:

Ambry Genetics
Classification: Uncertain significance for Inborn genetic diseases. Last evaluated: 2025-08-20. Review status: criteria provided, single submitter. Criteria: Ambry Variant Classification Scheme 2023. Collection method: clinical testing. Allele origin: germline.
Comment: The p.Q1183H variant (also known as c.3549G>C), located in coding exon 1 of the SAMD9L gene, results from a G to C substitution at nucleotide position 3549. The glutamine at codon 1183 is replaced by histidine, an amino acid with highly similar properties. This amino acid position is conserved. In addition, this alteration is predicted to be tolerated by in silico analysis. Based on the available evidence, the clinical significance of this variant remains unclear.

NM_152703.5(SAMD9L):c.3549G>C (p.Gln1183His)

Gene: SAMD9L (sterile alpha motif domain containing 9 like; minus strand). Cytogenetic location: 7q21.2.
Variant type: single nucleotide variant.
Coding change: c.3549G>C on transcript NM_152703.5 (MANE Select); coding-DNA position 3549, G replaced by C.
Protein change: p.Gln1183His; replaces glutamine 1183 with histidine.
Molecular consequence: missense variant.
Genome position (GRCh38, 1-based): chr7:93,132,423, C>G on the plus strand (G>C on the coding strand, the complement: SAMD9L is on the minus strand). VCF-style: chr7-93132423-C-G. GRCh37 (hg19) VCF-style: chr7-92761736-C-G.
Other names: c.3549G>C, p.Gln1183His (NM_001303496.3, NM_001303497.3, NM_001303498.3 and 5 more transcripts); short protein forms Q1183H.
Identifiers: ClinVar variation 4159419 (VCV004159419.1).